The following is an entry in ClinVar:

ClinVar aggregate classification (germline): Uncertain significance. Review status: criteria provided, single submitter (1 of 4 stars). 3 submissions from 3 submitters: Uncertain significance (1). 2 of the submissions do not count toward it. Last evaluated 2024-11-27.

Conditions:
Combined oxidative phosphorylation deficiency 56 (COXPD56). Identifiers: MedGen C5774261, MONDO:0859323, OMIM 620139.
Abnormal facial shape. Also called: Dysmorphic facies; Dysmorphic facial features. Identifiers: MedGen C0424503, HP:0001999.
Proximal muscle weakness. Identifiers: MedGen C0221629, HP:0003701.
Ankle flexion contracture. Identifiers: MedGen C1837407, HP:0006466.
Neonatal hypotonia. Identifiers: MedGen C2267233, HP:0001319.
Bilateral ptosis. Identifiers: MedGen C1865916, HP:0001488.
Combined oxidative phosphorylation deficiency. Identifiers: MedGen C4540031, MONDO:0000732.

Allele frequency attached by ClinVar (database versions not stated): gnomAD exomes below 0.00001.
gnomAD v4.1: 3 of 1,608,288 alleles (0.00019%); highest among the groups gnomAD compares: Non-Finnish European, 0.00026%; no homozygotes.

Submissions (3):

Broad Center for Mendelian Genomics, Broad Institute of MIT and Harvard
Classification: Uncertain significance for Combined oxidative phosphorylation deficiency. Last evaluated: 2024-11-27. Review status: criteria provided, single submitter. Criteria: ACMG Guidelines, 2015. Collection method: curation. Allele origin: germline. Study: GREGoR Consortium.
Comment: Trio genome analysis revealed that this variant was in trans with a variant of uncertain significance (ClinVar Variation ID: 1299471). The c.411+1G>T variant in TAMM41 has not been previously reported in the literature in individuals with combined oxidative phosphorylation deficiency 56. This variant has also been reported in ClinVar (Variation ID: 1299472) and has been interpreted as pathogenic by Institut IMAGINE (Institut National de la Sante et de la Recherche Medicale) and OMIM. This variant was absent from large population studies. In vitro functional studies provide some evidence that the c.411+1G>T variant may impact protein function (PMID: 35321494). However, these types of assays may not accurately represent biological function. RT-PCR analysis performed on affected tissue showed evidence of altered splicing with skipping of exon 3 (PMID: 35321494). This variant is located in the 5' splice region. Computational tools predict a splicing impact, though this information is not predictive enough to determine pathogenicity. While there is some evidence to suggest that heterozygous loss of function of the TAMM41 gene is a disease mechanism in combined oxidative phosphorylation deficiency 56, this association is not yet strongly established based on the criteria laid out in Tayoun, 2018 (PMID: 30192042). Furthermore, although this gene has been reported in association with combined oxidative phosphorylation deficiency 56, it currently has limited evidence for these associations. In summary, while there is some suspicion for a pathogenic role, the clinical significance of this variant is uncertain.

OMIM
Classification: Pathogenic for COMBINED OXIDATIVE PHOSPHORYLATION DEFICIENCY 56. Last evaluated: 2022-11-27. Review status: no assertion criteria provided. Collection method: literature only. Allele origin: germline. Not counted in ClinVar's aggregate classification.

Institut IMAGINE, Institut National de la Sante et de la Recherche Medicale
Classification: Pathogenic for Neonatal hypotonia; Proximal muscle weakness; Bilateral ptosis; Abnormal facial shape; Ankle flexion contracture. Last evaluated: 2021-08-01. Review status: no assertion criteria provided. Collection method: research. Allele origin: paternal. Affected: yes. Observed: 1 variant allele. Not counted in ClinVar's aggregate classification.
Comment: This variant is in compound heterozygosity with NM_001284401.1:c.256T>C

Literature cited by the submitters: PubMed 35321494 (cited by OMIM).

NM_001284401.2(TAMM41):c.411+1G>T

Gene: TAMM41 (TAM41 mitochondrial translocator assembly and maintenance homolog). Cytogenetic location: 3p25.2.
Variant type: single nucleotide variant.
Coding change: c.411+1G>T on transcript NM_001284401.2 (MANE Select); the canonical splice donor site of the intron after coding-DNA position 411, G replaced by T.
Molecular consequence: splice donor variant.
Genome position (GRCh38, 1-based): chr3:11,839,221, C>A on the plus strand (G>T on the coding strand, the complement: TAMM41 is on the minus strand). VCF-style: chr3-11839221-C-A. GRCh37 (hg19) VCF-style: chr3-11880695-C-A.
Other names: IVS3, G-T, +1 (rs780204589); c.411+1G>T (NM_138807.4, NM_001394474.1, NM_001366031.2); c.288+1G>T (NM_001321294.2); c.-237+1G>T (NM_001321295.2).
Identifiers: ClinVar variation 1299472 (VCV001299472.5), dbSNP rs780204589, ClinGen allele CA69517537.